The following is an entry in ClinVar:

ClinVar aggregate classification (germline): Pathogenic/Likely pathogenic. Review status: criteria provided, multiple submitters, no conflicts (2 of 4 stars). 3 submissions from 3 submitters: Pathogenic (2); Likely pathogenic (1). Last evaluated 2026-04-28.

Conditions:
Hereditary cancer-predisposing syndrome. Also called: Tumor predisposition; Hereditary neoplastic syndrome; Neoplastic Syndromes, Hereditary; Hereditary Cancer Syndrome. Identifiers: Orphanet 140162, MedGen C0027672, MeSH D009386, MONDO:0015356.
Hereditary breast ovarian cancer syndrome. Also called: BRCA1- and BRCA2-Associated Hereditary Breast and Ovarian Cancer; Hereditary breast and/or ovarian cancer syndrome; Hereditary breast and ovarian cancer; Hereditary breast and ovarian cancer syndrome (HBOC); Breast and ovarian cancer; Hereditary breast and ovarian cancer syndrome. Identifiers: Orphanet 145, MedGen C0677776, MeSH D061325, MONDO:0003582. Disease mechanism: loss of function.

Submissions (3):

Ambry Genetics
Classification: Likely pathogenic for Hereditary cancer-predisposing syndrome. Last evaluated: 2026-04-28. Review status: criteria provided, single submitter. Criteria: Ambry Variant Classification Scheme 2023. Collection method: clinical testing. Allele origin: germline.
Comment: The c.67_75delGAGTGTCCC variant (also known as p.E23_P25del) is located in coding exon 1 of the BRCA1 gene. This variant results from an in-frame GAGTGTCCC deletion at nucleotide positions 67 to 75. This results in the in-frame deletion of 3 amino acids at codons 23 to 25. This amino acid region is highly conserved in available vertebrate species and the impacted region is critical for protein function (Ambry internal data). In addition, the in silico prediction for this variant is inconclusive (Choi Y et al. PLoS ONE. 2012; 7(10):e46688). This variant is considered to be rare based on population cohorts in the Genome Aggregation Database (gnomAD). Based on the majority of available evidence to date, this variant is likely to be pathogenic.

Women's Health and Genetics/Laboratory Corporation of America, LabCorp
Classification: Pathogenic for Hereditary breast ovarian cancer syndrome. Last evaluated: 2024-11-19. Review status: criteria provided, single submitter. Criteria: LabCorp Variant Classification Summary - May 2015. Collection method: clinical testing. Allele origin: germline.
Comment: Variant summary: BRCA1 c.67_75delGAGTGTCCC (p.Glu23_Pro25del) results in an in-frame deletion that is predicted to remove three amino acids from the encoded protein. The variant specifically lies in RING finger motif which is defined by eight highly conserved cysteines and one histidine which form two distinct zinc (Zn2+) binding sites, site I formed by Cys24, Cys27, Cys44 and Cys47 and site II formed by Cys39, His41, Cys61 and Cys64, that stabilize the structure of the RING finger (PMIDs 11526114, 8653694). Therefore, deletion of Cys24 by this variant is expected to be deleterious for protein function. Critical functionality of Cys24 is also explained by the fact the two missense variants at this codon p.Cys24Arg and p.Cys24Tyr are known pathogenic variants The variant was absent in 251038 control chromosomes. c.67_75delGAGTGTCCC has been reported in the literature in at-least two individuals affected with Breast Cancer (example, Cotrim_2019, Ferreyra_2023) and a loss-of-heterozygosity for the normal BRCA1 allele for reported in the tumor from at-least one individual (Cotrim_2019). These data indicate that the variant may be associated with disease. To our knowledge, no experimental evidence demonstrating an impact on protein function has been reported. The following publications have been ascertained in the context of this evaluation (PMID: 30606148, 37664050). ClinVar contains an entry for this variant (Variation ID: 496400). Based on the evidence outlined above, the variant was classified as pathogenic.

Labcorp Genetics (formerly Invitae), Labcorp
Classification: Pathogenic for Hereditary breast ovarian cancer syndrome. Last evaluated: 2024-10-07. Review status: criteria provided, single submitter. Criteria: Invitae Variant Classification Sherloc (09022015). Collection method: clinical testing. Allele origin: germline.
Comment: This variant, c.67_75del, results in the deletion of 3 amino acid(s) of the BRCA1 protein (p.Glu23_Pro25del), but otherwise preserves the integrity of the reading frame. This variant is not present in population databases (gnomAD no frequency). This variant has been observed in individual(s) with breast cancer or ovarian cancer (PMID: 30606148; internal data). ClinVar contains an entry for this variant (Variation ID: 496400). This variant disrupts a region of the BRCA1 protein in which other variant(s) (p.Cys24) have been determined to be pathogenic (PMID: 2284342, 11526114, 18489799, 24249303, 25823446, 29176636, 30209399). This suggests that this is a clinically significant region of the protein, and that variants that disrupt it are likely to be disease-causing. For these reasons, this variant has been classified as Pathogenic.

Literature cited by the submitters: PubMed 30606148 (cited by Women's Health and Genetics/Laboratory Corporation of America, LabCorp and Labcorp Genetics (formerly Invitae), Labcorp); PubMed 37664050 (cited by Women's Health and Genetics/Laboratory Corporation of America, LabCorp); PubMed 2284342 (cited by Labcorp Genetics (formerly Invitae), Labcorp); PubMed 11526114 (cited by Labcorp Genetics (formerly Invitae), Labcorp); PubMed 18489799 (cited by Labcorp Genetics (formerly Invitae), Labcorp); PubMed 24249303 (cited by Labcorp Genetics (formerly Invitae), Labcorp); PubMed 25823446 (cited by Labcorp Genetics (formerly Invitae), Labcorp); PubMed 29176636 (cited by Labcorp Genetics (formerly Invitae), Labcorp); PubMed 30209399 (cited by Labcorp Genetics (formerly Invitae), Labcorp).

NM_007294.4(BRCA1):c.67_75del (p.Glu23_Pro25del)

Gene: BRCA1 (BRCA1 DNA repair associated; minus strand). Cytogenetic location: 17q21.31.
Variant type: Deletion.
Coding change: c.67_75del on transcript NM_007294.4 (MANE Select); coding-DNA positions 67 to 75, 9 bases deleted (GAGTGTCCC; older notation c.67_75delGAGTGTCCC).
Protein change: p.Glu23_Pro25del.
Molecular consequence: inframe deletion. On other transcripts: inframe indel (194), 5 prime UTR variant (1), non-coding transcript variant (1).
Genome position (GRCh38, 1-based): chr17:43,124,022-43,124,030, GGGACACTC deleted on the plus strand (GAGTGTCCC on the coding strand, the reverse complement: BRCA1 is on the minus strand). VCF-style (leftmost placement, unchanged base first): chr17-43124021-TGGGACACTC-T. GRCh37 (hg19) VCF-style: chr17-41276038-TGGGACACTC-T.
Other names: c.-122_-114delGAGTGTCCC (NM_001407571.1, NM_001407853.1, NM_001407879.1 and 46 more transcripts); c.67_75delGAGTGTCCC, p.Glu23_Pro25del (NM_001407581.1, NM_001407582.1, NM_001407583.1 and 191 more transcripts); c.-191_-183delGAGTGTCCC (NM_001407694.1, NM_001407724.1, NM_001407727.1 and 11 more transcripts); c.-195_-187delGAGTGTCCC (NM_001407695.1, NM_001408465.1); c.-336_-328delGAGTGTCCC (NM_001407696.1); c.-220_-212delGAGTGTCCC (NM_001407697.1, NM_001407846.1, NM_001407920.1); c.-21_-13delGAGTGTCCC (NM_001407698.1, NM_001407732.1, NM_001407736.1 and 22 more transcripts); c.-194_-186delGAGTGTCCC (NM_001407725.1, NM_001407730.1, NM_001407734.1 and 22 more transcripts); and 11 more.
Identifiers: ClinVar variation 496400 (VCV000496400.11), dbSNP rs1555600865, ClinGen allele CA501049.